The following is an entry in ClinVar:

ClinVar aggregate classification (germline): Conflicting classifications of pathogenicity. Review status: criteria provided, conflicting classifications (1 of 4 stars). 4 submissions from 4 submitters: Pathogenic (2); Likely pathogenic (1); Uncertain significance (1). Last evaluated 2025-09-10.

Conditions:
ALG8 congenital disorder of glycosylation. Also called: ALG8-CDG; CDG Ih; CONGENITAL DISORDER OF GLYCOSYLATION, TYPE Ih. Identifiers: Orphanet 79325, MedGen C2931002, MONDO:0011969, OMIM 608104.

Submissions (4):

Labcorp Genetics (formerly Invitae), Labcorp
Classification: Pathogenic for ALG8 congenital disorder of glycosylation. Last evaluated: 2025-09-10. Review status: criteria provided, single submitter. Criteria: Invitae Variant Classification Sherloc (09022015). Collection method: clinical testing. Allele origin: germline.
Comment: This sequence change replaces tryptophan, which is neutral and slightly polar, with glycine, which is neutral and non-polar, at codon 286 of the ALG8 protein (p.Trp286Gly). This variant is not present in population databases (gnomAD no frequency). This missense change has been observed in individual(s) with clinical features of ALG8-congenital disorder of glycosylation (PMID: 23806237, 28940310; internal data). It has also been observed to segregate with disease in related individuals. ClinVar contains an entry for this variant (Variation ID: 198905). Invitae Evidence Modeling of protein sequence and biophysical properties (such as structural, functional, and spatial information, amino acid conservation, physicochemical variation, residue mobility, and thermodynamic stability) indicates that this missense variant is expected to disrupt ALG8 protein function with a positive predictive value of 80%. For these reasons, this variant has been classified as Pathogenic.

GeneDx
Classification: Likely pathogenic. Last evaluated: 2025-03-26. Review status: criteria provided, single submitter. Criteria: GeneDx Variant Classification Process June 2021. Collection method: clinical testing. Allele origin: germline. Affected: yes.
Comment: Not observed at significant frequency in large population cohorts (gnomAD); In silico analysis supports that this missense variant has a deleterious effect on protein structure/function; This variant is associated with the following publications: (PMID: 23806237, 28940310, 35716054, 39792033)

Centre for Arab Genomic Studies, Sheikh Hamdan Award for Medical Sciences
Classification: Pathogenic for ALG8 congenital disorder of glycosylation. Last evaluated: 2017-07-15. Review status: criteria provided, single submitter. Criteria: Bastaki F et al. (Ann Hum Genet 2018). Collection method: clinical testing. Allele origin: unknown. Inheritance: Autosomal recessive inheritance. Affected: yes. Observed: 2 variant alleles, 2 homozygotes. Clinical features observed: Polyhydramnios, Fetal distress, Abnormal isoelectric focusing of serum transferrin, Hypotonia, Psychomotor retardation, Marmorata, Apnea, Cyanosis, Microcephaly, Hypertelorism, Micrognathia, Low-set ears, and 8 more.

Eurofins Ntd Llc (ga)
Classification: Uncertain significance. Last evaluated: 2017-06-28. Review status: criteria provided, single submitter. Criteria: EGL Classification Definitions 2015. Collection method: clinical testing. Allele origin: germline. Observed: 4 variant alleles, 2 heterozygotes, 2 homozygotes.

Literature cited by the submitters: PubMed 23806237 (cited by Labcorp Genetics (formerly Invitae), Labcorp); PubMed 28940310 (cited by Labcorp Genetics (formerly Invitae), Labcorp).

NM_024079.5(ALG8):c.856T>G (p.Trp286Gly)

Gene: ALG8 (ALG8 alpha-1,3-glucosyltransferase; minus strand). Cytogenetic location: 11q14.1.
Variant type: single nucleotide variant.
Coding change: c.856T>G on transcript NM_024079.5 (MANE Select); coding-DNA position 856, T replaced by G.
Protein change: p.Trp286Gly; replaces tryptophan 286 with glycine.
Molecular consequence: missense variant.
Genome position (GRCh38, 1-based): chr11:78,112,692, A>C on the plus strand (T>G on the coding strand, the complement: ALG8 is on the minus strand). VCF-style: chr11-78112692-A-C. GRCh37 (hg19) VCF-style: chr11-77823738-A-C.
Other names: c.856T>G, p.Trp286Gly (NM_001007027.3); short protein forms W286G.
Identifiers: ClinVar variation 198905 (VCV000198905.16), dbSNP rs794727931, ClinGen allele CA247803.